The following is an entry in ClinVar:

NM_014270.5(SLC7A9):c.857C>T (p.Ser286Phe)

Gene: SLC7A9 (solute carrier family 7 member 9; minus strand). Cytogenetic location: 19q13.11.
Variant type: single nucleotide variant.
Coding change: c.857C>T on transcript NM_014270.5 (MANE Select); coding-DNA position 857, C replaced by T.
Protein change: p.Ser286Phe; replaces serine 286 with phenylalanine.
Molecular consequence: missense variant.
Genome position (GRCh38, 1-based): chr19:32,859,857, G>A on the plus strand (C>T on the coding strand, the complement: SLC7A9 is on the minus strand). VCF-style: chr19-32859857-G-A. GRCh37 (hg19) VCF-style: chr19-33350763-G-A.
Other names: c.857C>T, p.Ser286Phe (NM_001126335.2, NM_001243036.2); short protein forms S286F.
Identifiers: ClinVar variation 871228 (VCV000871228.44), dbSNP rs755135545, ClinGen allele CA9358614.
Genomic context (GRCh38, chr19:32,859,857, plus strand): 5'-CCACAAGCCACAGCCCCCGCCAGCAGCGATGCCCGGGCACTCACCACAGCCACCGCCTGG[G>A]ACTGCAGGAGTTCGGTGGCAGTCATCACGGTGAAGTAGGACACGTTCATGAGGATGTAGC-3'
Protein context (NP_055085.1, residues 276-296): TVMTATELLQ[Ser286Phe]QAVAVTFGDR

ClinVar aggregate classification (germline): Conflicting classifications of pathogenicity. Review status: criteria provided, conflicting classifications (1 of 4 stars). 2 submissions from 2 submitters: Pathogenic (1); Uncertain significance (1). Last evaluated 2025-10-02.

Allele frequency attached by ClinVar (database versions not stated): gnomAD exomes below 0.00001 and 0.00001; TOPMed below 0.00001; ExAC 0.00001.
gnomAD v4.1: 9 of 1,614,050 alleles (0.00056%); highest among the groups gnomAD compares: Middle Eastern, 0.017%; no homozygotes.

Submissions (2):

Labcorp Genetics (formerly Invitae), Labcorp
Classification: Uncertain significance. Last evaluated: 2025-10-02. Review status: criteria provided, single submitter. Criteria: Invitae Variant Classification Sherloc (09022015). Collection method: clinical testing. Allele origin: germline.
Comment: This sequence change replaces serine, which is neutral and polar, with phenylalanine, which is neutral and non-polar, at codon 286 of the SLC7A9 protein (p.Ser286Phe). This variant is present in population databases (rs755135545, gnomAD 0.003%). This missense change has been observed in individual(s) with clinical features of SLC7A9-related conditions (PMID: 19782624). ClinVar contains an entry for this variant (Variation ID: 871228). Invitae Evidence Modeling of protein sequence and biophysical properties (such as structural, functional, and spatial information, amino acid conservation, physicochemical variation, residue mobility, and thermodynamic stability) indicates that this missense variant is expected to disrupt SLC7A9 protein function with a positive predictive value of 80%. In summary, the available evidence is currently insufficient to determine the role of this variant in disease. Therefore, it has been classified as a Variant of Uncertain Significance.

CeGaT Center for Human Genetics Tuebingen
Classification: Pathogenic. Last evaluated: 2019-11-01. Review status: criteria provided, single submitter. Criteria: CeGaT Center For Human Genetics Tuebingen Variant Classification Criteria Version 2. Collection method: clinical testing. Allele origin: germline. Affected: yes. Observed: 3 variant alleles.

Literature cited by the submitters: PubMed 19782624 (cited by Labcorp Genetics (formerly Invitae), Labcorp).